The following is an entry in ClinVar:

ClinVar aggregate classification (germline): Uncertain significance (1 of 4 stars; one submission).

Conditions:
Intellectual disability, autosomal recessive 53 (NEDHSCA). Also called: NEURODEVELOPMENTAL DISORDER WITH OR WITHOUT HYPOTONIA, SEIZURES, AND CEREBELLAR ATROPHY; GLYCOSYLPHOSPHATIDYLINOSITOL BIOSYNTHESIS DEFECT 13; Mental retardation, autosomal recessive 53. Identifiers: Orphanet 488635, MedGen C4310794, MONDO:0014832, OMIM 616917.

Allele frequency attached by ClinVar (database versions not stated): ExAC 0.00003; gnomAD exomes 0.00003 and 0.00006; gnomAD 0.00008 and 0.00009; TOPMed 0.00012.
gnomAD v4.1: 53 of 1,605,868 alleles (0.0033%); highest among the groups gnomAD compares: African/African-American, 0.031%; no homozygotes.

Submission:

Labcorp Genetics (formerly Invitae), Labcorp
Classification: Uncertain significance for Intellectual disability, autosomal recessive 53. Last evaluated: 2022-07-05. Review status: criteria provided, single submitter. Criteria: Invitae Variant Classification Sherloc (09022015). Collection method: clinical testing. Allele origin: germline.
Comment: This sequence change replaces arginine, which is basic and polar, with glutamine, which is neutral and polar, at codon 742 of the PIGG protein (p.Arg742Gln). This variant is present in population databases (rs771001595, gnomAD 0.03%). This variant has not been reported in the literature in individuals affected with PIGG-related conditions. ClinVar contains an entry for this variant (Variation ID: 476336). Algorithms developed to predict the effect of missense changes on protein structure and function (SIFT, PolyPhen-2, Align-GVGD) all suggest that this variant is likely to be tolerated. In summary, the available evidence is currently insufficient to determine the role of this variant in disease. Therefore, it has been classified as a Variant of Uncertain Significance.

NM_001127178.3(PIGG):c.2225G>A (p.Arg742Gln)

Gene: PIGG (phosphatidylinositol glycan anchor biosynthesis class G (EMM blood group); plus strand). Cytogenetic location: 4p16.3.
Variant type: single nucleotide variant.
Coding change: c.2225G>A on transcript NM_001127178.3 (MANE Select); coding-DNA position 2225, G replaced by A.
Protein change: p.Arg742Gln; replaces arginine 742 with glutamine.
Molecular consequence: missense variant. On other transcripts: non-coding transcript variant (10).
Genome position (GRCh38, 1-based): chr4:527,194, G>A. VCF-style: chr4-527194-G-A. GRCh37 (hg19) VCF-style: chr4-520983-G-A.
Other names: c.1958G>A, p.Arg653Gln (NM_001289051.2, NM_001345986.2); c.1826G>A, p.Arg609Gln (NM_001289052.2); c.1934G>A, p.Arg645Gln (NM_001345987.2); c.1196G>A, p.Arg399Gln (NM_001345988.2); c.692G>A, p.Arg231Gln (NM_001345990.2, NM_001345991.2); c.1127G>A, p.Arg376Gln (NM_001345994.2); c.2201G>A, p.Arg734Gln (NM_017733.5); short protein forms R742Q, R231Q, R609Q, R653Q, R734Q, R399Q, R376Q, R645Q.
Identifiers: ClinVar variation 476336 (VCV000476336.7), dbSNP rs771001595, ClinGen allele CA2793575.
Genomic context (GRCh38, chr4:527,194, plus strand): 5'-CTGCCCTGGCGCTGGGGCTGCTGGGCGTCTACTGCTACCGGGCGGCCATCGGGAGTGTCC[G>A]GTTCCCGTGGCGGCCGGACAGCAAGGACATTTCCAAGTAAGTGCGTGGCGGACACGGGGT-3'
Protein context (NP_001120650.1, residues 732-752): YCYRAAIGSV[Arg742Gln]FPWRPDSKDI